The following is an entry in ClinVar:

ClinVar aggregate classification (germline): Conflicting classifications of pathogenicity. Review status: criteria provided, conflicting classifications (1 of 4 stars). 9 submissions from 9 submitters: Uncertain significance (4); Likely benign (5). Last evaluated 2026-09-08.

Conditions:
Fabry disease. Also called: CERAMIDE TRIHEXOSIDASE DEFICIENCY; ALPHA-GALACTOSIDASE A DEFICIENCY; ANDERSON-FABRY DISEASE; GLA DEFICIENCY; HEREDITARY DYSTOPIC LIPIDOSIS; Fabry's disease. Identifiers: Orphanet 324, MedGen C0002986, MONDO:0010526, OMIM 301500, HP:0001071. Disease mechanism: Fabry disease is due to inactivating mutations in the X-linked GLA gene resulting in deficiency of the enzyme Alpha Galactosidase-A., loss of function.

Allele frequency attached by ClinVar (database versions not stated): TOPMed 0.00001; gnomAD exomes 0.00003; ExAC 0.00008; 1000 Genomes Project 30x 0.00021; 1000 Genomes Project 0.00026.
gnomAD v4.1: 23 of 1,061,167 alleles (0.0022%); highest among the groups gnomAD compares: Middle Eastern, 0.025%; no homozygotes.

Submissions (9):

Genomenon, Inc
Classification: Uncertain significance for Fabry disease. Last evaluated: 2026-09-08. Review status: criteria provided, single submitter. Criteria: Genomenon Sequence Variant Interpretation Standards - Updated. Collection method: curation. Allele origin: germline. Affected: no.
Comment: GLA c.639+6A>C is an intronic variant located in the donor splice region of intron 4. This variant has been reported in the published literature (PMID:41010031;22805550;30804731;28340691;29330335). It is absent or not present at a significant frequency in gnomAD. In silico models predict that this variant is not damaging. In conclusion, we classify GLA c.639+6A>C as a variant of uncertain significance.

Labcorp Genetics (formerly Invitae), Labcorp
Classification: Uncertain significance for Fabry disease. Last evaluated: 2026-01-19. Review status: criteria provided, single submitter. Criteria: Invitae Variant Classification Sherloc (09022015). Collection method: clinical testing. Allele origin: germline.
Comment: This sequence change falls in intron 4 of the GLA gene. It does not directly change the encoded amino acid sequence of the GLA protein. It affects a nucleotide within the consensus splice site. This variant is present in population databases (rs200096940, gnomAD 0.006%). This variant has been observed in individual(s) with clinical features of hypertrophic cardiomyopathy (PMID: 22805550). ClinVar contains an entry for this variant (Variation ID: 42457). Variants that disrupt the consensus splice site are a relatively common cause of aberrant splicing (PMID: 17576681, 9536098). Algorithms developed to predict the effect of sequence changes on RNA splicing suggest that this variant is not likely to affect RNA splicing. In summary, the available evidence is currently insufficient to determine the role of this variant in disease. Therefore, it has been classified as a Variant of Uncertain Significance.

GeneDx
Classification: Likely benign. Last evaluated: 2025-10-20. Review status: criteria provided, single submitter. Criteria: GeneDx Variant Classification Process June 2021. Collection method: clinical testing. Allele origin: germline. Affected: yes.
Comment: See Variant Classification Assertion Criteria.

Blueprint Genetics
Classification: Likely benign. Last evaluated: 2022-06-13. Review status: criteria provided, single submitter. Criteria: ACMG Guidelines, 2015. Collection method: clinical testing. Allele origin: germline.

Genome-Nilou Lab
Classification: Likely benign for Fabry disease. Last evaluated: 2021-07-15. Review status: criteria provided, single submitter. Criteria: ACMG Guidelines, 2015. Collection method: clinical testing. Allele origin: germline. Affected: no.

Broad Center for Mendelian Genomics, Broad Institute of MIT and Harvard
Classification: Uncertain significance for Fabry disease. Last evaluated: 2020-01-22. Review status: criteria provided, single submitter. Criteria: ACMG Guidelines, 2015. Collection method: curation. Allele origin: germline. Inheritance: X-linked inheritance.
Comment: The c.639+6A>C variant in GLA has been reported in at least 1 individual with Fabry disease (PMID:22805550), and has been identified in 0.005% (1/15710) and 0.006% (4/78727) of European (Finnish) and European (non-Finnish) chromosomes, respectively, by the Genome Aggregation Database (gnomAD; dbSNP rs200096940). Although this variant has been seen in the general population, its frequency is low enough to be consistent with Fabry disease. Please note that for diseases with clinical variability, or reduced penetrance, pathogenic variants may be present at a low frequency in the general population. This variant has also been reported in ClinVar as a VUS by the Laboratory for Molecular Medicine and as likely benign by GeneDx. (ID:42457). Computational prediction tools, including splice predictors, and conservation analyses suggest that this variant may not impact the protein, though this information is not predictive enough to rule out pathogenicity. One affected individuals with this variant had an alternative molecular basis for Fabry disease, suggesting that this variant may not be pathogenic. In summary, while the clinical significance of the c.639+6A>C variant is uncertain, these data suggest that it is more likely to be benign. ACMG/AMP Criteria applied: BS2, BP5, BP7, BP4, PM2_supporting (Richards 2015).

X-linked inheritance (primarily recessive with milder female expression)

Color Diagnostics, LLC DBA Color Health
Classification: Likely benign for Fabry disease. Last evaluated: 2019-03-30. Review status: criteria provided, single submitter. Criteria: ACMG Guidelines, 2015. Collection method: clinical testing. Allele origin: germline.

Illumina Laboratory Services, Illumina
Classification: Likely benign for Fabry disease. Last evaluated: 2017-04-27. Review status: criteria provided, single submitter. Criteria: ICSL Variant Classification Criteria 13 December 2019. Collection method: clinical testing. Allele origin: germline.
Comment: This variant was observed as part of a predisposition screen in an ostensibly healthy population. A literature search was performed for the gene, cDNA change, and amino acid change (where applicable). Publications were found based on this search. The evidence from the literature, in combination with allele frequency data from public databases where available, was sufficient to determine this variant is unlikely to cause disease. Therefore, this variant is classified as likely benign.

Laboratory for Molecular Medicine, Mass General Brigham Personalized Medicine
Classification: Uncertain significance. Last evaluated: 2011-12-13. Review status: criteria provided, single submitter. Criteria: LMM Criteria. Collection method: clinical testing. Allele origin: germline. Observed: 1 variant allele.
Comment: Variant classified as Uncertain Significance - Favor Benign. This variant occurs in the 5' splice site consensus sequenc e, but not in the invariant +1 or +2 positions. Computational tools do not predi ct an impact on splicing, though their accuracy is unknown. This variant is less likely disease causing but additional information is needed to confirm this.

Literature cited by the submitters: PubMed 41010031 (cited by Genomenon, Inc); PubMed 22805550 (cited by 4 submitters); PubMed 30804731 (cited by Genomenon, Inc); PubMed 28340691 (cited by Genomenon, Inc); PubMed 29330335 (cited by Genomenon, Inc); PubMed 17576681 (cited by Labcorp Genetics (formerly Invitae), Labcorp); PubMed 9536098 (cited by Labcorp Genetics (formerly Invitae), Labcorp).

NM_000169.3(GLA):c.639+6A>C

Genes: GLA (galactosidase alpha; minus strand), RPL36A-HNRNPH2 (RPL36A-HNRNPH2 readthrough; plus strand). Cytogenetic location: Xq22.1.
Variant type: single nucleotide variant.
Coding change: c.639+6A>C on transcript NM_000169.3 (MANE Select); 6 bases into the intron after coding-DNA position 639, A replaced by C.
Molecular consequence: intron variant.
Genome position (GRCh38, 1-based): chrX:101,400,660, T>G on the plus strand (A>C on the coding strand, the complement: GLA is on the minus strand). VCF-style: chrX-101400660-T-G. GRCh37 (hg19) VCF-style: chrX-100655648-T-G.
Other names: c.300+5203T>G (NM_001199973.2); c.177+8838T>G (NM_001199974.2); c.762+6A>C (NM_001406747.1); c.639+6A>C (NM_001406748.1).
Identifiers: ClinVar variation 42457 (VCV000042457.25), dbSNP rs200096940, ClinGen allele CA021876.